The following is an entry in ClinVar:

NM_004369.4(COL6A3):c.1313-7_1315del

Gene: COL6A3 (collagen type VI alpha 3 chain; minus strand). Cytogenetic location: 2q37.3.
Variant type: Deletion.
Coding change: c.1313-7_1315del on transcript NM_004369.4 (MANE Select); 7 bases into the intron before coding-DNA position 1313 through coding-DNA position 1315, 10 bases deleted (CCTACAGTCA; older notation c.1313-7_1315delCCTACAGTCA).
Molecular consequence: splice acceptor variant.
Genome position (GRCh38, 1-based): chr2:237,381,497-237,381,506, TGACTGTAGG deleted on the plus strand (CCTACAGTCA on the coding strand, the reverse complement: COL6A3 is on the minus strand); deleting any 10 consecutive bases within chr2:237,381,497-237,381,508 gives the same sequence; the c. name uses the placement nearest the transcript's 3' end. VCF-style (leftmost placement, unchanged base first): chr2-237381496-ATGACTGTAGG-A. GRCh37 (hg19) VCF-style: chr2-238290139-ATGACTGTAGG-A.
Other names: c.695-7_697del (NM_057167.4, NM_057165.5); c.92-7_94del (NM_057164.5, NM_057166.5).
Identifiers: ClinVar variation 3689689 (VCV003689689.2).

ClinVar aggregate classification (germline): Likely pathogenic (1 of 4 stars; one submission).

Conditions:
Bethlem myopathy 1A. Also called: MYOPATHY, BENIGN CONGENITAL, WITH CONTRACTURES; Bethlem myopathy 1; Bethlem Muscular Dystrophy. Identifiers: Orphanet 610, MedGen CN029274, MONDO:0024530, OMIM 158810.

Submission:

Labcorp Genetics (formerly Invitae), Labcorp
Classification: Likely pathogenic for Bethlem myopathy 1A. Last evaluated: 2025-08-21. Review status: criteria provided, single submitter. Criteria: Invitae Variant Classification Sherloc (09022015). Collection method: clinical testing. Allele origin: germline.
Comment: This variant results in the deletion of part of exon 5 (c.1313-7_1315del) of the COL6A3 gene. It is expected to disrupt RNA splicing. Variants that disrupt the donor or acceptor splice site typically lead to a loss of protein function (PMID: 16199547), and loss-of-function variants in COL6A3 are known to be pathogenic (PMID: 26004199). This variant is not present in population databases (gnomAD no frequency). This variant has not been reported in the literature in individuals affected with COL6A3-related conditions. ClinVar contains an entry for this variant (Variation ID: 3689689). In summary, the currently available evidence indicates that the variant is pathogenic, but additional data are needed to prove that conclusively. Therefore, this variant has been classified as Likely Pathogenic.

Literature cited by the submitters: PubMed 16199547; PubMed 26004199.